The following is an entry in ClinVar:

NM_002691.4(POLD1):c.588G>T (p.Glu196Asp)

Gene: POLD1 (DNA polymerase delta 1, catalytic subunit; plus strand). Cytogenetic location: 19q13.33.
Variant type: single nucleotide variant.
Coding change: c.588G>T on transcript NM_002691.4 (MANE Select); coding-DNA position 588, G replaced by T.
Protein change: p.Glu196Asp; replaces glutamic acid 196 with aspartic acid.
Molecular consequence: missense variant. On other transcripts: non-coding transcript variant (1).
Genome position (GRCh38, 1-based): chr19:50,402,123, G>T. VCF-style: chr19-50402123-G-T. GRCh37 (hg19) VCF-style: chr19-50905380-G-T.
Other names: c.588G>T, p.Glu196Asp (NM_001256849.1, NM_001308632.1); short protein forms E196D.
Identifiers: ClinVar variation 3717612 (VCV003717612.2).

ClinVar aggregate classification (germline): Uncertain significance (1 of 4 stars; one submission).

Conditions:
POLD1-related polyposis and colorectal cancer syndrome (CRCS10). Also called: Colorectal cancer 10; COLORECTAL CANCER, SUSCEPTIBILITY TO, ON CHROMOSOME 19q; Colorectal cancer, susceptibility to, 10. Identifiers: Orphanet 220460, MedGen C2675481, MONDO:0012953, OMIM 612591.

Submission:

Labcorp Genetics (formerly Invitae), Labcorp
Classification: Uncertain significance for POLD1-related polyposis and colorectal cancer syndrome. Last evaluated: 2024-09-17. Review status: criteria provided, single submitter. Criteria: Invitae Variant Classification Sherloc (09022015). Collection method: clinical testing. Allele origin: germline.
Comment: This sequence change replaces glutamic acid, which is acidic and polar, with aspartic acid, which is acidic and polar, at codon 196 of the POLD1 protein (p.Glu196Asp). This variant is not present in population databases (gnomAD no frequency). This variant has not been reported in the literature in individuals affected with POLD1-related conditions. An algorithm developed to predict the effect of missense changes on protein structure and function (PolyPhen-2) suggests that this variant is likely to be tolerated. In summary, the available evidence is currently insufficient to determine the role of this variant in disease. Therefore, it has been classified as a Variant of Uncertain Significance.